The following is an entry in ClinVar:

NM_004612.4(TGFBR1):c.1289A>T (p.Asp430Val)

Gene: TGFBR1 (transforming growth factor beta receptor 1; plus strand). Cytogenetic location: 9q22.33.
Variant type: single nucleotide variant.
Coding change: c.1289A>T on transcript NM_004612.4 (MANE Select); coding-DNA position 1289, A replaced by T.
Protein change: p.Asp430Val; replaces aspartic acid 430 with valine.
Molecular consequence: missense variant.
Genome position (GRCh38, 1-based): chr9:99,147,687, A>T. VCF-style: chr9-99147687-A-T. GRCh37 (hg19) VCF-style: chr9-101909969-A-T.
Other names: c.1058A>T, p.Asp353Val (NM_001130916.3); c.1301A>T, p.Asp434Val (NM_001306210.2); short protein forms D353V, D430V, D434V.
Identifiers: ClinVar variation 1171403 (VCV001171403.3), dbSNP rs2118839539, ClinGen allele CA374233308.

ClinVar aggregate classification (germline): Uncertain significance (1 of 4 stars; one submission).

Conditions:
Familial thoracic aortic aneurysm and aortic dissection (TAAD). Also called: Thoracic aortic aneurysms and dissections. Identifiers: Orphanet 91387, MedGen C4707243, MONDO:0019625.

Submission:

Color Diagnostics, LLC DBA Color Health
Classification: Uncertain significance for Familial thoracic aortic aneurysm and aortic dissection. Last evaluated: 2024-03-06. Review status: criteria provided, single submitter. Criteria: ACMG Guidelines, 2015. Collection method: clinical testing. Allele origin: germline.
Comment: This missense variant replaces aspartic acid with valine at codon 430 of the TGFBR1 protein. Computational prediction suggests that this variant may have deleterious impact on protein structure and function (internally defined REVEL score threshold >= 0.7, PMID: 27666373). To our knowledge, functional studies have not been reported for this variant. This variant has not been reported in individuals affected with cardiovascular disorders in the literature. This variant has not been identified in the general population by the Genome Aggregation Database (gnomAD). The available evidence is insufficient to determine the role of this variant in disease conclusively. Therefore, this variant is classified as a Variant of Uncertain Significance.